The following is an entry in ClinVar:

ClinVar aggregate classification (germline): Uncertain significance (1 of 4 stars; one submission).

Allele frequency attached by ClinVar (database versions not stated): TOPMed below 0.00001; ExAC 0.00001.
gnomAD v4.1: 10 of 1,613,992 alleles (0.00062%); highest among the groups gnomAD compares: Non-Finnish European, 0.00085%; no homozygotes.

Submission:

Ambry Genetics
Classification: Uncertain significance. Last evaluated: 2024-12-09. Review status: criteria provided, single submitter. Criteria: Ambry Variant Classification Scheme 2023. Collection method: clinical testing. Allele origin: germline.
Comment: The p.L1203W variant (also known as c.3608T>G), located in coding exon 5 of the MLH3 gene, results from a T to G substitution at nucleotide position 3608. The leucine at codon 1203 is replaced by tryptophan, an amino acid with similar properties. This amino acid position is conserved. In addition, the in silico prediction for this alteration is inconclusive. Since supporting evidence is limited at this time, the clinical significance of this alteration remains unclear.

NM_001040108.2(MLH3):c.3608T>G (p.Leu1203Trp)

Gene: MLH3 (mutL homolog 3; minus strand). Cytogenetic location: 14q24.3.
Variant type: single nucleotide variant.
Coding change: c.3608T>G on transcript NM_001040108.2 (MANE Select); coding-DNA position 3608, T replaced by G.
Protein change: p.Leu1203Trp; replaces leucine 1203 with tryptophan.
Molecular consequence: missense variant.
Genome position (GRCh38, 1-based): chr14:75,038,375, A>C on the plus strand (T>G on the coding strand, the complement: MLH3 is on the minus strand). VCF-style: chr14-75038375-A-C. GRCh37 (hg19) VCF-style: chr14-75505078-A-C.
Other names: c.3608T>G, p.Leu1203Trp (NM_014381.3); short protein forms L1203W.
Identifiers: ClinVar variation 2473666 (VCV002473666.3), dbSNP rs761468610, ClinGen allele CA7275407.
Genomic context (GRCh38, chr14:75,038,375, plus strand): 5'-CATTCAGGCTAAACTCCATTCTTACCTGCCTCGCCATTCTCTTCAGTCTTAGTGCTCATC[A>C]AACAGGCAATAAACTTGTTATCTACTTGCTGGAGAACCTGTCAGACATTCAAATAAGTGG-3'
Protein context (NP_001035197.1, residues 1193-1213): QQVDNKFIAC[Leu1203Trp]MSTKTEENGE